The following is an entry in ClinVar:

ClinVar aggregate classification (germline): Likely benign (1 of 4 stars; one submission).

Allele frequency attached by ClinVar (database versions not stated): TOPMed below 0.00001.
gnomAD v4.1: 2 of 1,608,176 alleles (0.00012%); highest among the groups gnomAD compares: South Asian, 0.0011%; no homozygotes.

Submission:

CeGaT Center for Human Genetics Tuebingen
Classification: Likely benign. Last evaluated: 2022-05-01. Review status: criteria provided, single submitter. Criteria: CeGaT Center For Human Genetics Tuebingen Variant Classification Criteria Version 2. Collection method: clinical testing. Allele origin: germline. Affected: yes. Observed: 1 variant allele.
Comment: MED22: BP4, BP7

NM_133640.5(MED22):c.450C>T (p.Cys150=)

Gene: MED22 (mediator complex subunit 22; minus strand). Cytogenetic location: 9q34.2.
Variant type: single nucleotide variant.
Coding change: c.450C>T on transcript NM_133640.5 (MANE Select); coding-DNA position 450, C replaced by T.
Protein change: p.Cys150=; no amino-acid change (cysteine 150 retained).
Molecular consequence: synonymous variant. On other transcripts: 3 prime UTR variant (1).
Genome position (GRCh38, 1-based): chr9:133,341,658, G>A on the plus strand (C>T on the coding strand, the complement: MED22 is on the minus strand). VCF-style: chr9-133341658-G-A. GRCh37 (hg19) VCF-style: chr9-136208508-G-A.
Other names: c.*2457C>T (NM_181491.3).
Identifiers: ClinVar variation 2659694 (VCV002659694.22), dbSNP rs782713097, ClinGen allele CA200822117.